The following is an entry in ClinVar:

NM_030930.4(UNC93B1):c.415A>T (p.Met139Leu)

Gene: UNC93B1 (unc-93B1 regulator of TLR signaling; minus strand). Cytogenetic location: 11q13.2.
Variant type: single nucleotide variant.
Coding change: c.415A>T on transcript NM_030930.4 (MANE Select); coding-DNA position 415, A replaced by T.
Protein change: p.Met139Leu; replaces methionine 139 with leucine.
Molecular consequence: missense variant.
Genome position (GRCh38, 1-based): chr11:67,999,658, T>A on the plus strand (A>T on the coding strand, the complement: UNC93B1 is on the minus strand). VCF-style: chr11-67999658-T-A. GRCh37 (hg19) VCF-style: chr11-67767128-T-A.
Other names: short protein forms M139L.
Identifiers: ClinVar variation 1498032 (VCV001498032.4), dbSNP rs776563052, ClinGen allele CA224214545.

ClinVar aggregate classification (germline): Uncertain significance (1 of 4 stars; one submission).

Conditions:
Encephalopathy, acute, infection-induced (herpes-specific), susceptibility to, 1. Also called: Herpes simplex encephalitis, susceptibility to, 1. Identifiers: Orphanet 1930, MedGen C2750180, MONDO:0024563, OMIM 610551.

Allele frequency attached by ClinVar (database versions not stated): TOPMed 0.00003; gnomAD 0.00001.

Submission:

Labcorp Genetics (formerly Invitae), Labcorp
Classification: Uncertain significance for Encephalopathy, acute, infection-induced (herpes-specific), susceptibility to, 1. Last evaluated: 2021-08-23. Review status: criteria provided, single submitter. Criteria: Invitae Variant Classification Sherloc (09022015). Collection method: clinical testing. Allele origin: germline.
Comment: This sequence change replaces methionine with leucine at codon 139 of the UNC93B1 protein (p.Met139Leu). The methionine residue is moderately conserved and there is a small physicochemical difference between methionine and leucine. This variant is not present in population databases (ExAC no frequency). This variant has not been reported in the literature in individuals affected with UNC93B1-related conditions. Experimental studies and prediction algorithms are not available or were not evaluated, and the functional significance of this variant is currently unknown. In summary, the available evidence is currently insufficient to determine the role of this variant in disease. Therefore, it has been classified as a Variant of Uncertain Significance.